The following is an entry in ClinVar:

NM_002878.4(RAD51D):c.236C>T (p.Thr79Ile)

Genes: RAD51D (RAD51 paralog D; minus strand), RAD51L3-RFFL (RAD51L3-RFFL readthrough; minus strand). Cytogenetic location: 17q12.
Variant type: single nucleotide variant.
Coding change: c.236C>T on transcript NM_002878.4 (MANE Select); coding-DNA position 236, C replaced by T.
Protein change: p.Thr79Ile; replaces threonine 79 with isoleucine.
Molecular consequence: missense variant. On other transcripts: intron variant (2).
Genome position (GRCh38, 1-based): chr17:35,118,528, G>A on the plus strand (C>T on the coding strand, the complement: RAD51D is on the minus strand). VCF-style: chr17-35118528-G-A. GRCh37 (hg19) VCF-style: chr17-33445547-G-A.
Other names: c.144+583C>T (NM_133629.3, NM_001142571.2); short protein forms T79I.
Identifiers: ClinVar variation 955123 (VCV000955123.14), dbSNP rs2091776134, ClinGen allele CA399091223.

ClinVar aggregate classification (germline): Uncertain significance. Review status: criteria provided, multiple submitters, no conflicts (2 of 4 stars). 3 submissions from 3 submitters: Uncertain significance (3). Last evaluated 2024-10-11.

Conditions:
Breast-ovarian cancer, familial, susceptibility to, 4. Identifiers: Orphanet 145, MedGen C3280345, MONDO:0013669, OMIM 614291.
Hereditary cancer-predisposing syndrome. Also called: Hereditary neoplastic syndrome; Tumor predisposition; Neoplastic Syndromes, Hereditary; Hereditary Cancer Syndrome. Identifiers: Orphanet 140162, MedGen C0027672, MeSH D009386, MONDO:0015356.

Submissions (3):

Ambry Genetics
Classification: Uncertain significance for Hereditary cancer-predisposing syndrome. Last evaluated: 2024-10-11. Review status: criteria provided, single submitter. Criteria: Ambry Variant Classification Scheme 2023. Collection method: clinical testing. Allele origin: germline.
Comment: The p.T79I variant (also known as c.236C>T), located in coding exon 3 of the RAD51D gene, results from a C to T substitution at nucleotide position 236. The threonine at codon 79 is replaced by isoleucine, an amino acid with similar properties. This amino acid position is highly conserved in available vertebrate species. In addition, this alteration is predicted to be deleterious by in silico analysis. Based on the available evidence, the clinical significance of this variant remains unclear.

Labcorp Genetics (formerly Invitae), Labcorp
Classification: Uncertain significance for Breast-ovarian cancer, familial, susceptibility to, 4. Last evaluated: 2024-08-15. Review status: criteria provided, single submitter. Criteria: Invitae Variant Classification Sherloc (09022015). Collection method: clinical testing. Allele origin: germline.
Comment: This sequence change replaces threonine, which is neutral and polar, with isoleucine, which is neutral and non-polar, at codon 79 of the RAD51D protein (p.Thr79Ile). This variant is not present in population databases (gnomAD no frequency). This variant has not been reported in the literature in individuals affected with RAD51D-related conditions. ClinVar contains an entry for this variant (Variation ID: 955123). Invitae Evidence Modeling of protein sequence and biophysical properties (such as structural, functional, and spatial information, amino acid conservation, physicochemical variation, residue mobility, and thermodynamic stability) indicates that this missense variant is not expected to disrupt RAD51D protein function with a negative predictive value of 80%. In summary, the available evidence is currently insufficient to determine the role of this variant in disease. Therefore, it has been classified as a Variant of Uncertain Significance.

Baylor Genetics
Classification: Uncertain significance for Breast-ovarian cancer, familial, susceptibility to, 4. Last evaluated: 2023-05-16. Review status: criteria provided, single submitter. Criteria: ACMG Guidelines, 2015. Collection method: clinical testing. Allele origin: unknown.